The following is an entry in ClinVar:

NM_018089.3(ANKZF1):c.1252del (p.Val418fs)

Gene: ANKZF1 (ankyrin repeat and zinc finger peptidyl tRNA hydrolase 1; plus strand). Cytogenetic location: 2q35.
Variant type: Deletion.
Coding change: c.1252del on transcript NM_018089.3 (MANE Select); coding-DNA position 1252, one base deleted (G; older notation c.1252delG).
Protein change: p.Val418fs; shifts the reading frame from valine 418.
Molecular consequence: frameshift variant.
Genome position (GRCh38, 1-based): chr2:219,234,873, G deleted. VCF-style (leftmost placement, unchanged base first): chr2-219234872-AG-A. GRCh37 (hg19) VCF-style: chr2-220099594-AG-A.
Other names: c.1252del, p.Val418fs (NM_001042410.2); c.622del, p.Val208fs (NM_001282792.2); short protein forms V418fs, V208fs.
Identifiers: ClinVar variation 2867812 (VCV002867812.3), dbSNP rs2544926773, ClinGen allele CA2577250219.

ClinVar aggregate classification (germline): Uncertain significance (1 of 4 stars; one submission).

Allele frequency attached by ClinVar (database versions not stated): gnomAD exomes 0.00001.

Submission:

Labcorp Genetics (formerly Invitae), Labcorp
Classification: Uncertain significance. Last evaluated: 2025-10-02. Review status: criteria provided, single submitter. Criteria: Invitae Variant Classification Sherloc (09022015). Collection method: clinical testing. Allele origin: germline.
Comment: This sequence change creates a premature translational stop signal (p.Val418Trpfs*3) in the ANKZF1 gene. It is expected to result in an absent or disrupted protein product. However, the current clinical and genetic evidence is not sufficient to establish whether loss-of-function variants in ANKZF1 cause disease. This variant is not present in population databases (gnomAD no frequency). This variant has not been reported in the literature in individuals affected with ANKZF1-related conditions. ClinVar contains an entry for this variant (Variation ID: 2867812). In summary, the available evidence is currently insufficient to determine the role of this variant in disease. Therefore, it has been classified as a Variant of Uncertain Significance.